The following is an entry in ClinVar:

ClinVar aggregate classification (germline): Uncertain significance (1 of 4 stars; one submission).

Conditions:
Benign neonatal seizures. Also called: Benign familial neonatal seizures; Benign neonatal familial convulsions; Benign familial neonatal epilepsy; Convulsions benign familial neonatal dominant form; Autosomal dominant form of benign neonatal seizures. Identifiers: Orphanet 1949, MedGen C0220669, MONDO:0016027.

gnomAD v4.1: 3 of 1,614,218 alleles (0.00019%); highest among the groups gnomAD compares: African/African-American, 0.0027%; no homozygotes.

Submission:

Labcorp Genetics (formerly Invitae), Labcorp
Classification: Uncertain significance for Benign neonatal seizures. Last evaluated: 2024-11-18. Review status: criteria provided, single submitter. Criteria: Invitae Variant Classification Sherloc (09022015). Collection method: clinical testing. Allele origin: germline.
Comment: This sequence change replaces glycine, which is neutral and non-polar, with alanine, which is neutral and non-polar, at codon 822 of the KCNQ3 protein (p.Gly822Ala). This variant is not present in population databases (gnomAD no frequency). This variant has not been reported in the literature in individuals affected with KCNQ3-related conditions. ClinVar contains an entry for this variant (Variation ID: 1968482). Invitae Evidence Modeling of protein sequence and biophysical properties (such as structural, functional, and spatial information, amino acid conservation, physicochemical variation, residue mobility, and thermodynamic stability) indicates that this missense variant is not expected to disrupt KCNQ3 protein function with a negative predictive value of 95%. In summary, the available evidence is currently insufficient to determine the role of this variant in disease. Therefore, it has been classified as a Variant of Uncertain Significance.

NM_004519.4(KCNQ3):c.2465G>C (p.Gly822Ala)

Gene: KCNQ3 (potassium voltage-gated channel subfamily Q member 3; minus strand). Cytogenetic location: 8q24.22.
Variant type: single nucleotide variant.
Coding change: c.2465G>C on transcript NM_004519.4 (MANE Select); coding-DNA position 2465, G replaced by C.
Protein change: p.Gly822Ala; replaces glycine 822 with alanine.
Molecular consequence: missense variant.
Genome position (GRCh38, 1-based): chr8:132,129,416, C>G on the plus strand (G>C on the coding strand, the complement: KCNQ3 is on the minus strand). VCF-style: chr8-132129416-C-G. GRCh37 (hg19) VCF-style: chr8-133141663-C-G.
Other names: c.2105G>C, p.Gly702Ala (NM_001204824.2); short protein forms G822A, G702A.
Identifiers: ClinVar variation 1968482 (VCV001968482.5), dbSNP rs1563761301, ClinGen allele CA372215833.